The following is an entry in ClinVar:

ClinVar aggregate classification (germline): VUS-mid (1 of 4 stars; one submission).

Conditions:
Pontocerebellar hypoplasia type 2D (PCH2D). Also called: Progressive cerebello-cerebral atrophy. Identifiers: Orphanet 247198, Orphanet 2524, MedGen C3151140, MONDO:0013438, OMIM 613811.

Submission:

Centre for Medical Genetics,  Mumbai
Classification: VUS-mid for Pontocerebellar hypoplasia type 2D. Last evaluated: 2024-07-25. Review status: criteria provided, single submitter. Criteria: ACMG Guidelines, 2015. Collection method: provider interpretation. Allele origin: germline. Inheritance: Autosomal recessive inheritance. Affected: yes. Observed: 1 variant allele, 1 homozygote.
Comment: The variant satisfies PM2 criteria; Extremely low frequency in gnomAD population databases. The variant satisfies PP3 criteria; For a missense or a splicing region variant, computational prediction tools unanimously support a deleterious effect on the gene. Due to lack of sufficient clinical evidence, it is classified as variant of uncertain significance

Literature cited by the submitters: PubMed 20920667.

NM_016955.4(SEPSECS):c.316C>A (p.Pro106Thr)

Gene: SEPSECS (Sep (O-phosphoserine) tRNA:Sec (selenocysteine) tRNA synthase; minus strand). Cytogenetic location: 4p15.2.
Variant type: single nucleotide variant.
Coding change: c.316C>A on transcript NM_016955.4 (MANE Select); coding-DNA position 316, C replaced by A.
Protein change: p.Pro106Thr; replaces proline 106 with threonine.
Molecular consequence: missense variant.
Genome position (GRCh38, 1-based): chr4:25,156,928, G>T on the plus strand (C>A on the coding strand, the complement: SEPSECS is on the minus strand). VCF-style: chr4-25156928-G-T. GRCh37 (hg19) VCF-style: chr4-25158550-G-T.
Other names: c.571C>A, p.Pro191Thr (NM_001410714.1); short protein forms P106T, P191T.
Identifiers: ClinVar variation 4814239 (VCV004814239.1).